The following is an entry in ClinVar:

ClinVar aggregate classification (germline): Likely benign. Review status: criteria provided, single submitter (1 of 4 stars). 2 submissions from 2 submitters: Likely benign (1). 1 of the submissions does not count toward it. Last evaluated 2025-09-03.

Conditions:
DNAH1-related disorder. Also called: DNAH1-related condition.
Spermatogenic failure 18. Identifiers: MedGen C4539783, MONDO:0054615, OMIM 617576.
Ciliary dyskinesia, primary, 37 (CILD37). Also called: CILIARY DYSKINESIA, PRIMARY, 37, WITH OR WITHOUT SITUS INVERSUS. Identifiers: MedGen C4539798, MONDO:0033204, OMIM 617577.

Allele frequency attached by ClinVar (database versions not stated): gnomAD exomes 0.00002 and 0.00004; gnomAD 0.00004; TOPMed 0.00002.
gnomAD v4.1: 57 of 1,613,400 alleles (0.0035%); highest among the groups gnomAD compares: East Asian, 0.065%; no homozygotes.

Submissions (2):

Labcorp Genetics (formerly Invitae), Labcorp
Classification: Likely benign for Ciliary dyskinesia, primary, 37; Spermatogenic failure 18. Last evaluated: 2025-09-03. Review status: criteria provided, single submitter. Criteria: Invitae Variant Classification Sherloc (09022015). Collection method: clinical testing. Allele origin: germline.

PreventionGenetics, part of Exact Sciences
Classification: Likely benign for DNAH1-related condition. Last evaluated: 2019-05-01. Review status: no assertion criteria provided. Collection method: clinical testing. Allele origin: germline. Not counted in ClinVar's aggregate classification.
Comment: This variant is classified as likely benign based on ACMG/AMP sequence variant interpretation guidelines (Richards et al. 2015 PMID: 25741868, with internal and published modifications).

NM_015512.5(DNAH1):c.2313G>A (p.Thr771=)

Gene: DNAH1 (dynein axonemal heavy chain 1; plus strand). Cytogenetic location: 3p21.1.
Variant type: single nucleotide variant.
Coding change: c.2313G>A on transcript NM_015512.5 (MANE Select); coding-DNA position 2313, G replaced by A.
Protein change: p.Thr771=; no amino-acid change (threonine 771 retained).
Molecular consequence: synonymous variant.
Genome position (GRCh38, 1-based): chr3:52,349,207, G>A. VCF-style: chr3-52349207-G-A. GRCh37 (hg19) VCF-style: chr3-52383223-G-A.
Other names: c.2313G>A (NM_015512.4).
Identifiers: ClinVar variation 1160741 (VCV001160741.9), dbSNP rs1334735125, ClinGen allele CA433884767.